The following is an entry in ClinVar:

NM_001042600.3(MAP4K1):c.1131T>A (p.Ser377=)

Gene: MAP4K1 (mitogen-activated protein kinase kinase kinase kinase 1; minus strand). Cytogenetic location: 19q13.2.
Variant type: single nucleotide variant.
Coding change: c.1131T>A on transcript NM_001042600.3 (MANE Select); coding-DNA position 1131, T replaced by A.
Protein change: p.Ser377=; no amino-acid change (serine 377 retained).
Molecular consequence: synonymous variant.
Genome position (GRCh38, 1-based): chr19:38,607,890, A>T on the plus strand (T>A on the coding strand, the complement: MAP4K1 is on the minus strand). VCF-style: chr19-38607890-A-T. GRCh37 (hg19) VCF-style: chr19-39098530-A-T.
Other names: c.1131T>A, p.Ser377= (NM_007181.6).
Identifiers: ClinVar variation 3234627 (VCV003234627.20), dbSNP rs1468227943, ClinGen allele CA507242581.
Genomic context (GRCh38, chr19:38,607,890, plus strand): 5'-GGGCCTGTGGAGCTGCAGGCAGGGCCTCACTTACATGTCCACGTCGTCATAGTCATCGTC[A>T]GACGACTCTGACAGTTGCTTCCTGAAGGGTGACAGGTATGAGCCTTGGGGGCCTTGTCCA-3'
Protein context (NP_001036065.1, residues 367-387): SSPRKQLSES[Ser377=]DDDYDDVDIP

ClinVar aggregate classification (germline): Likely benign (1 of 4 stars; one submission).

Submission:

CeGaT Center for Human Genetics Tuebingen
Classification: Likely benign. Last evaluated: 2024-03-01. Review status: criteria provided, single submitter. Criteria: CeGaT Center For Human Genetics Tuebingen Variant Classification Criteria Version 2. Collection method: clinical testing. Allele origin: germline. Affected: yes. Observed: 1 variant allele.
Comment: MAP4K1: PM2:Supporting, BP4, BP7